The following is an entry in ClinVar:

NM_001363.5(DKC1):c.487A>C (p.Ile163Leu)

Gene: DKC1 (dyskerin pseudouridine synthase 1; plus strand). Cytogenetic location: Xq28.
Variant type: single nucleotide variant.
Coding change: c.487A>C on transcript NM_001363.5 (MANE Select); coding-DNA position 487, A replaced by C.
Protein change: p.Ile163Leu; replaces isoleucine 163 with leucine.
Molecular consequence: missense variant. On other transcripts: non-coding transcript variant (3).
Genome position (GRCh38, 1-based): chrX:154,767,035, A>C. VCF-style: chrX-154767035-A-C. GRCh37 (hg19) VCF-style: chrX-153995310-A-C.
Other names: c.487A>C (NM_001363.3); c.487A>C, p.Ile163Leu (NM_001142463.3, NM_001288747.2); short protein forms I163L.
Identifiers: ClinVar variation 529176 (VCV000529176.12), dbSNP rs782159247, ClinGen allele CA337308906.

ClinVar aggregate classification (germline): Uncertain significance. Review status: criteria provided, multiple submitters, no conflicts (2 of 4 stars). 3 submissions from 3 submitters: Uncertain significance (3). Last evaluated 2026-01-12.

Conditions:
Dyskeratosis congenita. Identifiers: Orphanet 1775, MedGen C0265965, MONDO:0015780.
Dyskeratosis congenita, X-linked (DKCX). Also called: Zinsser-Cole-Engman Syndrome. Identifiers: MedGen C1148551, MONDO:0010584, OMIM 305000.

Allele frequency attached by ClinVar (database versions not stated): TOPMed 0.00002.
gnomAD v4.1: 44 of 1,211,490 alleles (0.0036%); highest among the groups gnomAD compares: Non-Finnish European, 0.0049%; no homozygotes.

Submissions (3):

Labcorp Genetics (formerly Invitae), Labcorp
Classification: Uncertain significance for Dyskeratosis congenita. Last evaluated: 2026-01-12. Review status: criteria provided, single submitter. Criteria: Invitae Variant Classification Sherloc (09022015). Collection method: clinical testing. Allele origin: germline.
Comment: This sequence change replaces isoleucine, which is neutral and non-polar, with leucine, which is neutral and non-polar, at codon 163 of the DKC1 protein (p.Ile163Leu). This variant is present in population databases (rs782159247, gnomAD 0.001%). This variant has not been reported in the literature in individuals affected with DKC1-related conditions. ClinVar contains an entry for this variant (Variation ID: 529176). Invitae Evidence Modeling of protein sequence and biophysical properties (such as structural, functional, and spatial information, amino acid conservation, physicochemical variation, residue mobility, and thermodynamic stability) indicates that this missense variant is not expected to disrupt DKC1 protein function with a negative predictive value of 80%. In summary, the available evidence is currently insufficient to determine the role of this variant in disease. Therefore, it has been classified as a Variant of Uncertain Significance.

Ambry Genetics
Classification: Uncertain significance for Dyskeratosis congenita. Last evaluated: 2024-11-18. Review status: criteria provided, single submitter. Criteria: Ambry Variant Classification Scheme 2023. Collection method: clinical testing. Allele origin: germline.
Comment: The p.I163L variant (also known as c.487A>C), located in coding exon 6 of the DKC1 gene, results from an A to C substitution at nucleotide position 487. The isoleucine at codon 163 is replaced by leucine, an amino acid with highly similar properties. This amino acid position is conserved. In addition, this alteration is predicted to be tolerated by in silico analysis. Based on the available evidence, the clinical significance of this variant remains unclear.

Baylor Genetics
Classification: Uncertain significance for Dyskeratosis congenita, X-linked. Last evaluated: 2023-01-04. Review status: criteria provided, single submitter. Criteria: ACMG Guidelines, 2015. Collection method: clinical testing. Allele origin: unknown.